The following is an entry in ClinVar:

ClinVar aggregate classification (germline): Uncertain significance. Review status: criteria provided, multiple submitters, no conflicts (2 of 4 stars). 2 submissions from 2 submitters: Uncertain significance (2). Last evaluated 2025-08-29.

Conditions:
Inborn genetic diseases. Identifiers: MedGen C0950123, MeSH D030342.

Allele frequency attached by ClinVar (database versions not stated): TOPMed 0.00005; gnomAD exomes 0.00002; gnomAD 0.00002; ExAC 0.00004.

Submissions (2):

Labcorp Genetics (formerly Invitae), Labcorp
Classification: Uncertain significance. Last evaluated: 2025-08-29. Review status: criteria provided, single submitter. Criteria: Invitae Variant Classification Sherloc (09022015). Collection method: clinical testing. Allele origin: germline.
Comment: This sequence change replaces glutamic acid, which is acidic and polar, with lysine, which is basic and polar, at codon 448 of the MMP14 protein (p.Glu448Lys). This variant is present in population databases (rs753565021, gnomAD 0.02%). This variant has not been reported in the literature in individuals affected with MMP14-related conditions. ClinVar contains an entry for this variant (Variation ID: 3002708). Invitae Evidence Modeling of protein sequence and biophysical properties (such as structural, functional, and spatial information, amino acid conservation, physicochemical variation, residue mobility, and thermodynamic stability) indicates that this missense variant is not expected to disrupt MMP14 protein function with a negative predictive value of 80%. In summary, the available evidence is currently insufficient to determine the role of this variant in disease. Therefore, it has been classified as a Variant of Uncertain Significance.

Ambry Genetics
Classification: Uncertain significance for Inborn genetic diseases. Last evaluated: 2025-02-20. Review status: criteria provided, single submitter. Criteria: Ambry Variant Classification Scheme 2023. Collection method: clinical testing. Allele origin: germline.

NM_004995.4(MMP14):c.1342G>A (p.Glu448Lys)

Gene: MMP14 (matrix metallopeptidase 14; plus strand). Cytogenetic location: 14q11.2.
Variant type: single nucleotide variant.
Coding change: c.1342G>A on transcript NM_004995.4 (MANE Select); coding-DNA position 1342, G replaced by A.
Protein change: p.Glu448Lys; replaces glutamic acid 448 with lysine.
Molecular consequence: missense variant.
Genome position (GRCh38, 1-based): chr14:22,845,291, G>A. VCF-style: chr14-22845291-G-A. GRCh37 (hg19) VCF-style: chr14-23314500-G-A.
Other names: c.1342G>A (NM_004995.2); short protein forms E448K.
Identifiers: ClinVar variation 3002708 (VCV003002708.4), dbSNP rs753565021, ClinGen allele CA7105454.